The following is an entry in ClinVar:

ClinVar aggregate classification (germline): Likely benign (0 of 4 stars; one submission).

Conditions:
TBR1-related disorder. Also called: TBR1-related condition.

Submission:

PreventionGenetics, part of Exact Sciences
Classification: Likely benign for TBR1-related condition. Last evaluated: 2023-09-27. Review status: no assertion criteria provided. Collection method: clinical testing. Allele origin: germline.
Comment: This variant is classified as likely benign based on ACMG/AMP sequence variant interpretation guidelines (Richards et al. 2015 PMID: 25741868, with internal and published modifications).

NM_006593.4(TBR1):c.1398G>C (p.Gly466=)

Gene: TBR1 (T-box brain transcription factor 1; plus strand). Cytogenetic location: 2q24.2.
Variant type: single nucleotide variant.
Coding change: c.1398G>C on transcript NM_006593.4 (MANE Select); coding-DNA position 1398, G replaced by C.
Protein change: p.Gly466=; no amino-acid change (glycine 466 retained).
Molecular consequence: synonymous variant.
Genome position (GRCh38, 1-based): chr2:161,423,576, G>C. VCF-style: chr2-161423576-G-C. GRCh37 (hg19) VCF-style: chr2-162280087-G-C.
Identifiers: ClinVar variation 3041132 (VCV003041132.2), dbSNP rs2468099511, ClinGen allele CA429730661.
Genomic context (GRCh38, chr2:161,423,576, plus strand): 5'-CCCGGGCGCGGGCGCGGGCCCCGGGCCGGGTACGGACCGCAGCGTGCCGCACACCAACGG[G>C]CTGCTGTCGCCGCAGCAGGCCGAGGACCCGGGCGCGCCCTCGCCGCAACGCTGGTTTGTG-3'
Protein context (NP_006584.1, residues 456-476): GTDRSVPHTN[Gly466=]LLSPQQAEDP